The following is an entry in ClinVar:

ClinVar aggregate classification (germline): Uncertain significance (1 of 4 stars; one submission).

Conditions:
Charcot-Marie-Tooth disease axonal type 2V. Also called: CHARCOT-MARIE-TOOTH NEUROPATHY, TYPE 2V; CHARCOT-MARIE-TOOTH DISEASE, AXONAL, AUTOSOMAL DOMINANT, TYPE 2V. Identifiers: Orphanet 447964, MedGen C5569050, MONDO:0014665, OMIM 616491.
Mucopolysaccharidosis, MPS-III-B (MPS3B). Also called: MUCOPOLYSACCHARIDOSIS, TYPE IIIB; Mucopolysaccharidosis type IIIB (Sanfilippo B); N-ACETYL-ALPHA-D-GLUCOSAMINIDASE DEFICIENCY; NAGLU DEFICIENCY; SANFILIPPO SYNDROME B; MPS III B. Identifiers: Orphanet 79270, MedGen C0086648, MONDO:0009656, OMIM 252920.

gnomAD v4.1: 1 of 1,613,802 alleles (0.000062%); highest among the groups gnomAD compares: Admixed American, 0.0017%; no homozygotes.

Submission:

Labcorp Genetics (formerly Invitae), Labcorp
Classification: Uncertain significance for Charcot-Marie-Tooth disease axonal type 2V; Mucopolysaccharidosis, MPS-III-B. Last evaluated: 2022-08-09. Review status: criteria provided, single submitter. Criteria: Invitae Variant Classification Sherloc (09022015). Collection method: clinical testing. Allele origin: germline.
Comment: In summary, the available evidence is currently insufficient to determine the role of this variant in disease. Therefore, it has been classified as a Variant of Uncertain Significance. Advanced modeling of protein sequence and biophysical properties (such as structural, functional, and spatial information, amino acid conservation, physicochemical variation, residue mobility, and thermodynamic stability) performed at Invitae indicates that this missense variant is expected to disrupt NAGLU protein function. This variant has not been reported in the literature in individuals affected with NAGLU-related conditions. This variant is not present in population databases (gnomAD no frequency). This sequence change replaces proline, which is neutral and non-polar, with leucine, which is neutral and non-polar, at codon 324 of the NAGLU protein (p.Pro324Leu).

NM_000263.4(NAGLU):c.971C>T (p.Pro324Leu)

Gene: NAGLU (N-acetyl-alpha-glucosaminidase; plus strand). Cytogenetic location: 17q21.2.
Variant type: single nucleotide variant.
Coding change: c.971C>T on transcript NM_000263.4 (MANE Select); coding-DNA position 971, C replaced by T.
Protein change: p.Pro324Leu; replaces proline 324 with leucine.
Molecular consequence: missense variant.
Genome position (GRCh38, 1-based): chr17:42,541,156, C>T. VCF-style: chr17-42541156-C-T. GRCh37 (hg19) VCF-style: chr17-40693174-C-T.
Other names: short protein forms P324L.
Identifiers: ClinVar variation 1715792 (VCV001715792.4), dbSNP rs2510656635, ClinGen allele CA399600329.